The following is an entry in ClinVar:

ClinVar aggregate classification (germline): Conflicting classifications of pathogenicity. Review status: criteria provided, conflicting classifications (1 of 4 stars). 3 submissions from 3 submitters: Uncertain significance (2); Likely benign (1). Last evaluated 2025-10-15.

Conditions:
Hereditary cancer-predisposing syndrome. Also called: Neoplastic Syndromes, Hereditary; Hereditary Cancer Syndrome; Tumor predisposition; Hereditary neoplastic syndrome. Identifiers: Orphanet 140162, MedGen C0027672, MeSH D009386, MONDO:0015356.
Ataxia-telangiectasia syndrome (AT). Also called: Ataxia telangiectasia (A-T); LOUIS-BAR SYNDROME; AT, COMPLEMENTATION GROUP C; ATAXIA-TELANGIECTASIA, COMPLEMENTATION GROUP A; ATAXIA-TELANGIECTASIA, FRESNO VARIANT; Ataxia-telangiectasia. Identifiers: Orphanet 100, MedGen C0004135, MONDO:0008840, OMIM 208900.

Allele frequency attached by ClinVar (database versions not stated): TOPMed below 0.00001; gnomAD 0.00001.
gnomAD v4.1: 2 of 1,613,728 alleles (0.00012%); highest among the groups gnomAD compares: African/African-American, 0.0027%; no homozygotes.

Submissions (3):

Labcorp Genetics (formerly Invitae), Labcorp
Classification: Likely benign for Ataxia-telangiectasia syndrome. Last evaluated: 2025-10-15. Review status: criteria provided, single submitter. Criteria: Invitae Variant Classification Sherloc (09022015). Collection method: clinical testing. Allele origin: germline.

GeneDx
Classification: Uncertain significance. Last evaluated: 2020-05-19. Review status: criteria provided, single submitter. Criteria: GeneDx Variant Classification Process June 2021. Collection method: clinical testing. Allele origin: germline. Affected: yes.
Comment: Not observed at a significant frequency in large population cohorts (Lek et al., 2016); In silico analysis supports that this missense variant has a deleterious effect on protein structure/function; Has not been previously published as pathogenic or benign to our knowledge

Ambry Genetics
Classification: Uncertain significance for Hereditary cancer-predisposing syndrome. Last evaluated: 2020-04-15. Review status: criteria provided, single submitter. Criteria: Ambry Variant Classification Scheme 2023. Collection method: clinical testing. Allele origin: germline.
Comment: The p.H943Q variant (also known as c.2829C>A), located in coding exon 17 of the ATM gene, results from a C to A substitution at nucleotide position 2829. The histidine at codon 943 is replaced by glutamine, an amino acid with highly similar properties. This amino acid position is highly conserved in available vertebrate species. In addition, the in silico prediction for this alteration is inconclusive. Since supporting evidence is limited at this time, the clinical significance of this alteration remains unclear.

NM_000051.4(ATM):c.2829C>A (p.His943Gln)

Gene: ATM (ATM serine/threonine kinase; plus strand). Cytogenetic location: 11q22.3.
Variant type: single nucleotide variant.
Coding change: c.2829C>A on transcript NM_000051.4 (MANE Select); coding-DNA position 2829, C replaced by A.
Protein change: p.His943Gln; replaces histidine 943 with glutamine.
Molecular consequence: missense variant.
Genome position (GRCh38, 1-based): chr11:108,268,600, C>A. VCF-style: chr11-108268600-C-A. GRCh37 (hg19) VCF-style: chr11-108139327-C-A.
Other names: c.2829C>A, p.His943Gln (NM_001351834.2); short protein forms H943Q.
Identifiers: ClinVar variation 1312663 (VCV001312663.9), dbSNP rs1485943190, ClinGen allele CA382545819.
Genomic context (GRCh38, chr11:108,268,600, plus strand): 5'-TCGGAGGAAATTGTTAATGTTAATTGATTCTAGCACGCTAGAACCTACCAAATCCCTCCA[C>A]CTGCATATGGTGAGTTACGTTAAATGAAGAAGCTCTTGGATTTTATCTGATGTTGCTGAC-3'
Protein context (NP_000042.3, residues 933-953): SSTLEPTKSL[His943Gln]LHMYLMLLKE